The following is an entry in ClinVar:

ClinVar aggregate classification (germline): Uncertain significance. Review status: criteria provided, multiple submitters, no conflicts (2 of 4 stars). 4 submissions from 4 submitters: Uncertain significance (4). Last evaluated 2026-02-13.

Conditions:
Melanoma and neural system tumor syndrome. Also called: MELANOMA-ASTROCYTOMA SYNDROME. Identifiers: Orphanet 252206, MedGen C1835042, MONDO:0007967, OMIM 155755.
Familial melanoma. Also called: Hereditary melanoma; Hereditary cutaneous melanoma. Identifiers: Orphanet 618, MedGen C1512419, MONDO:0018961.
Hereditary cancer-predisposing syndrome. Also called: Neoplastic Syndromes, Hereditary; Hereditary Cancer Syndrome; Tumor predisposition; Hereditary neoplastic syndrome. Identifiers: Orphanet 140162, MedGen C0027672, MeSH D009386, MONDO:0015356.

Submissions (4):

OLLIN Analises Genomicas, OLLIN
Classification: Uncertain significance for Melanoma and neural system tumor syndrome. Last evaluated: 2026-02-13. Review status: criteria provided, single submitter. Criteria: ACMG Guidelines 2015 PMID 25741868. Collection method: clinical testing. Allele origin: germline. Observed: 1 variant allele.
Comment: PM2_P

Ambry Genetics
Classification: Uncertain significance for Hereditary cancer-predisposing syndrome. Last evaluated: 2025-05-20. Review status: criteria provided, single submitter. Criteria: Ambry Variant Classification Scheme 2023. Collection method: clinical testing. Allele origin: germline.
Comment: The p.V115G variant (also known as c.344T>G), located in coding exon 2 of the CDKN2A gene, results from a T to G substitution at nucleotide position 344. The valine at codon 115 is replaced by glycine, an amino acid with dissimilar properties. Of note, this variant is also known as c.387T>G (p.R129R) in the p14(ARF) isoform. This variant has been reported in a Swedish family with two individuals with melanoma (Borg A et al. J. Natl. Cancer Inst., 2000 Aug;92:1260-6). This amino acid position is not well conserved in available vertebrate species. In addition, this alteration is predicted to be deleterious by in silico analysis. Based on the available evidence, the clinical significance of this variant remains unclear.

Labcorp Genetics (formerly Invitae), Labcorp
Classification: Uncertain significance for Familial melanoma. Last evaluated: 2024-01-24. Review status: criteria provided, single submitter. Criteria: Invitae Variant Classification Sherloc (09022015). Collection method: clinical testing. Allele origin: germline.
Comment: This sequence change replaces valine, which is neutral and non-polar, with glycine, which is neutral and non-polar, at codon 115 of the CDKN2A (p16INK4a) protein (p.Val115Gly). This variant is present in population databases (rs750655995, gnomAD 0.002%). This missense change has been observed in individual(s) with melanoma (PMID: 10922411, 21462282). ClinVar contains an entry for this variant (Variation ID: 236987). An algorithm developed to predict the effect of missense changes on protein structure and function (PolyPhen-2) suggests that this variant is likely to be disruptive. Experimental studies have shown that this missense change does not substantially affect CDKN2A (p16INK4a) function (PMID: 10922411). In summary, the available evidence is currently insufficient to determine the role of this variant in disease. Therefore, it has been classified as a Variant of Uncertain Significance.

Color Diagnostics, LLC DBA Color Health
Classification: Uncertain significance for Hereditary cancer-predisposing syndrome. Last evaluated: 2020-02-21. Review status: criteria provided, single submitter. Criteria: ACMG Guidelines, 2015. Collection method: clinical testing. Allele origin: germline.
Comment: This missense variant replaces valine with glycine at codon 115 of the CDKN2A (p16INK4A) protein. Computational prediction is inconclusive regarding the impact of this variant on protein structure and function (internally defined REVEL score threshold 0.5 < inconclusive < 0.7, PMID: 27666373). Splice site prediction tools suggest that this variant may not impact RNA splicing. A functional study has shown that this variant does not affect CDKN2A p16INK4A protein binding to CDK4 and CDK6 (PMID: 10922411). This variant has been reported in individuals affected with melanoma (PMID: 10922411, 21462282). This variant has been identified in 2/239434 chromosomes in the general population by the Genome Aggregation Database (gnomAD). The available evidence is insufficient to determine the role of this variant in disease conclusively. Therefore, this variant is classified as a Variant of Uncertain Significance.

Literature cited by the submitters: PubMed 10922411 (cited by Ambry Genetics and Labcorp Genetics (formerly Invitae), Labcorp); PubMed 21462282 (cited by Labcorp Genetics (formerly Invitae), Labcorp).

NM_000077.5(CDKN2A):c.344T>G (p.Val115Gly)

Gene: CDKN2A (cyclin dependent kinase inhibitor 2A; minus strand). Cytogenetic location: 9p21.3.
Variant type: single nucleotide variant.
Coding change: c.344T>G on transcript NM_000077.5; coding-DNA position 344, T replaced by G.
Protein change: p.Val115Gly; replaces valine 115 with glycine.
Molecular consequence: missense variant (on NM_000077.6). On other transcripts: synonymous variant (1), 3 prime UTR variant (1).
Genome position (GRCh38, 1-based): chr9:21,971,015, A>C on the plus strand (T>G on the coding strand, the complement: CDKN2A is on the minus strand). VCF-style: chr9-21971015-A-C. GRCh37 (hg19) VCF-style: chr9-21971014-A-C.
Other names: c.344T>G, p.Val115Gly (NM_000077.6, NM_001195132.2); c.191T>G, p.Val64Gly (NM_001363763.2); c.387T>G, p.Arg129= (NM_058195.4); c.*267T>G (NM_058197.5); short protein forms V115G, V64G.
Identifiers: ClinVar variation 236987 (VCV000236987.16), dbSNP rs750655995, ClinGen allele CA5012176.